The following is an entry in ClinVar:

NM_001099287.2(NIPAL4):c.1050C>G (p.Ile350Met)

Gene: NIPAL4 (NIPA like domain containing 4; plus strand). Cytogenetic location: 5q33.3.
Variant type: single nucleotide variant.
Coding change: c.1050C>G on transcript NM_001099287.2 (MANE Select); coding-DNA position 1050, C replaced by G.
Protein change: p.Ile350Met; replaces isoleucine 350 with methionine.
Molecular consequence: missense variant.
Genome position (GRCh38, 1-based): chr5:157,472,795, C>G. VCF-style: chr5-157472795-C-G. GRCh37 (hg19) VCF-style: chr5-156899803-C-G.
Other names: c.993C>G, p.Ile331Met (NM_001172292.2); short protein forms I331M, I350M, I393M.
Identifiers: ClinVar variation 1723665 (VCV001723665.2), dbSNP rs958203462, ClinGen allele CA130150471.

ClinVar aggregate classification (germline): Uncertain significance (1 of 4 stars; one submission).

Allele frequency attached by ClinVar (database versions not stated): gnomAD exomes 0.00001; TOPMed 0.00001.
gnomAD v4.1: 21 of 1,606,956 alleles (0.0013%); highest among the groups gnomAD compares: Non-Finnish European, 0.0017%; no homozygotes.

Submission:

GeneDx
Classification: Uncertain significance. Last evaluated: 2022-05-06. Review status: criteria provided, single submitter. Criteria: GeneDx Variant Classification Process June 2021. Collection method: clinical testing. Allele origin: germline. Affected: yes.
Comment: Not observed at significant frequency in large population cohorts (gnomAD); In silico analysis supports that this missense variant does not alter protein structure/function; Has not been previously published as pathogenic or benign to our knowledge